The following is an entry in ClinVar:

NM_006904.7(PRKDC):c.4405C>G (p.Pro1469Ala)

Gene: PRKDC (protein kinase, DNA-activated, catalytic subunit; minus strand). Cytogenetic location: 8q11.21.
Variant type: single nucleotide variant.
Coding change: c.4405C>G on transcript NM_006904.7 (MANE Select); coding-DNA position 4405, C replaced by G.
Protein change: p.Pro1469Ala; replaces proline 1469 with alanine.
Molecular consequence: missense variant.
Genome position (GRCh38, 1-based): chr8:47,888,526, G>C on the plus strand (C>G on the coding strand, the complement: PRKDC is on the minus strand). VCF-style: chr8-47888526-G-C. GRCh37 (hg19) VCF-style: chr8-48801087-G-C.
Other names: c.4405C>G, p.Pro1469Ala (NM_001081640.2); short protein forms P1469A.
Identifiers: ClinVar variation 2564496 (VCV002564496.2), dbSNP rs2551873554, ClinGen allele CA371145401.

ClinVar aggregate classification (germline): Uncertain significance (1 of 4 stars; one submission).

Submission:

Ambry Genetics
Classification: Uncertain significance. Last evaluated: 2023-03-19. Review status: criteria provided, single submitter. Criteria: Ambry Variant Classification Scheme 2023. Collection method: clinical testing. Allele origin: germline.
Comment: The p.P1469A variant (also known as c.4405C>G), located in coding exon 34 of the PRKDC gene, results from a C to G substitution at nucleotide position 4405. The proline at codon 1469 is replaced by alanine, an amino acid with highly similar properties. This amino acid position is conserved. In addition, this alteration is predicted to be tolerated by in silico analysis. Since supporting evidence is limited at this time, the clinical significance of this alteration remains unclear.